The following is an entry in ClinVar:

NM_000135.4(FANCA):c.894-1137_1359+1837del

Gene: FANCA (FA complementation group A; minus strand). Cytogenetic location: 16q24.3.
Variant type: Deletion.
Coding change: c.894-1137_1359+1837del on transcript NM_000135.4 (MANE Select); 1137 bases into the intron before coding-DNA position 894 through 1837 bases into the intron after coding-DNA position 1359, 7,590 bases deleted.
Molecular consequence: splice acceptor variant, splice donor variant.
Genome position (GRCh38, 1-based): chr16:89,789,566-89,797,155, 7,590 bases deleted. GRCh37 (hg19): chr16:89,855,974-89,863,563.
Other names: c.894-1137_1359+1837del (NM_001286167.3).
Identifiers: ClinVar variation 974205 (VCV000974205.1), ClinGen allele CA1139664960.

ClinVar aggregate classification (germline): Pathogenic (0 of 4 stars; one submission).

Conditions:
Fanconi anemia complementation group A (FANCA). Also called: Fanconi anemia, group A; FANCA-Related Fanconi Anemia. Identifiers: Orphanet 84, MedGen C3469521, MONDO:0009215, OMIM 227650.

Submission:

Leiden Open Variation Database
Classification: Pathogenic for Fanconi anemia complementation group A. Last evaluated: 2020-02-28. Review status: no assertion criteria provided. Collection method: curation. Allele origin: germline. Affected: yes.
Comment: Curator: Arleen D. Auerbach. Submitter to LOVD: Arleen D. Auerbach.

Literature cited by the submitters: PubMed 25168418.